The following is an entry in ClinVar:

ClinVar aggregate classification (germline): Benign (1 of 4 stars; one submission).

Allele frequency attached by ClinVar (database versions not stated): 1000 Genomes Project 30x 0.00250; 1000 Genomes Project 0.00300; TOPMed 0.00559; gnomAD 0.00569; ExAC 0.00740.
gnomAD v4.1: 6,447 of 1,050,674 alleles (0.61%); highest among the groups gnomAD compares: Non-Finnish European, 0.78%; 28 homozygotes.

Submission:

CeGaT Center for Human Genetics Tuebingen
Classification: Benign. Last evaluated: 2026-05-01. Review status: criteria provided, single submitter. Criteria: CeGaT Center For Human Genetics Tuebingen Variant Classification Criteria Version 2. Collection method: clinical testing. Allele origin: germline. Affected: yes. Observed: 3 variant alleles.
Comment: SHANK1: BS1, BS2

NM_016148.5(SHANK1):c.1965-81G>A

Gene: SHANK1 (SH3 and multiple ankyrin repeat domains 1; minus strand). Cytogenetic location: 19q13.33.
Variant type: single nucleotide variant.
Coding change: c.1965-81G>A on transcript NM_016148.5 (MANE Select); 81 bases into the intron before coding-DNA position 1965, G replaced by A.
Molecular consequence: intron variant.
Genome position (GRCh38, 1-based): chr19:50,689,360, C>T on the plus strand (G>A on the coding strand, the complement: SHANK1 is on the minus strand). VCF-style: chr19-50689360-C-T. GRCh37 (hg19) VCF-style: chr19-51192617-C-T.
Identifiers: ClinVar variation 2650362 (VCV002650362.24), dbSNP rs73932561, ClinGen allele CA9601694.